The following is an entry in ClinVar:

NM_000388.4(CASR):c.1840A>T (p.Ile614Phe)

Gene: CASR (calcium sensing receptor; plus strand). Cytogenetic location: 3q21.1.
Variant type: single nucleotide variant.
Coding change: c.1840A>T on transcript NM_000388.4 (MANE Select); coding-DNA position 1840, A replaced by T.
Protein change: p.Ile614Phe; replaces isoleucine 614 with phenylalanine.
Molecular consequence: missense variant.
Genome position (GRCh38, 1-based): chr3:122,283,794, A>T. VCF-style: chr3-122283794-A-T. GRCh37 (hg19) VCF-style: chr3-122002641-A-T.
Other names: c.1870A>T, p.Ile624Phe (NM_001178065.2); short protein forms I614F, I624F.
Identifiers: ClinVar variation 532620 (VCV000532620.12), dbSNP rs201564925, ClinGen allele CA82748574.

ClinVar aggregate classification (germline): Conflicting classifications of pathogenicity. Review status: criteria provided, conflicting classifications (1 of 4 stars). 2 submissions from 2 submitters: Uncertain significance (1); Likely benign (1). Last evaluated 2025-12-08.

Conditions:
Familial hypocalciuric hypercalcemia (FHH). Also called: Familial benign hypercalcemia. Identifiers: Orphanet 405, MedGen C1809471, MONDO:0018458.
Autosomal dominant hypocalcemia 1 (HYPOC1). Also called: HYPOCALCEMIA, FAMILIAL. Identifiers: MedGen C3715128, MONDO:0011013, OMIM 601198.
Nephrolithiasis/nephrocalcinosis. Identifiers: MedGen CN580796.

Allele frequency attached by ClinVar (database versions not stated): TOPMed 0.00001; gnomAD exomes below 0.00001 and 0.00005; gnomAD 0.00001.
gnomAD v4.1: 68 of 1,613,982 alleles (0.0042%); highest among the groups gnomAD compares: Non-Finnish European, 0.0057%; no homozygotes.

Submissions (2):

Labcorp Genetics (formerly Invitae), Labcorp
Classification: Likely benign for Familial hypocalciuric hypercalcemia; Autosomal dominant hypocalcemia 1. Last evaluated: 2025-12-08. Review status: criteria provided, single submitter. Criteria: Invitae Variant Classification Sherloc (09022015). Collection method: clinical testing. Allele origin: germline.

Ambry Genetics
Classification: Uncertain significance for Nephrolithiasis/nephrocalcinosis. Last evaluated: 2022-09-16. Review status: criteria provided, single submitter. Criteria: Ambry Variant Classification Scheme 2023. Collection method: clinical testing. Allele origin: germline.
Comment: The p.I614F variant (also known as c.1840A>T), located in coding exon 6 of the CASR gene, results from an A to T substitution at nucleotide position 1840. The isoleucine at codon 614 is replaced by phenylalanine, an amino acid with highly similar properties. This amino acid position is highly conserved in available vertebrate species. In addition, this alteration is predicted to be deleterious by in silico analysis. Since supporting evidence is limited at this time, the clinical significance of this alteration remains unclear.